The following is an entry in ClinVar:

NM_138927.4(SON):c.4563T>C (p.Gly1521=)

Gene: SON (SON DNA and RNA binding protein; plus strand). Cytogenetic location: 21q22.11.
Variant type: single nucleotide variant.
Coding change: c.4563T>C on transcript NM_138927.4 (MANE Select); coding-DNA position 4563, T replaced by C.
Protein change: p.Gly1521=; no amino-acid change (glycine 1521 retained).
Molecular consequence: synonymous variant. On other transcripts: non-coding transcript variant (1), intron variant (1).
Genome position (GRCh38, 1-based): chr21:33,553,794, T>C. VCF-style: chr21-33553794-T-C. GRCh37 (hg19) VCF-style: chr21-34926100-T-C.
Other names: c.4563T>C, p.Gly1521= (NM_001291411.2, NM_001412133.1, NM_032195.3 and 2 more transcripts); c.245-3362T>C (NM_001291412.3).
Identifiers: ClinVar variation 3001425 (VCV003001425.10), dbSNP rs145749244, ClinGen allele CA10009554.

ClinVar aggregate classification (germline): Likely benign. Review status: criteria provided, multiple submitters, no conflicts (2 of 4 stars). 2 submissions from 2 submitters: Likely benign (2). Last evaluated 2025-03-01.

Allele frequency attached by ClinVar (database versions not stated): TOPMed below 0.00001; ExAC 0.00003; gnomAD 0.00003; gnomAD exomes 0.00007; 1000 Genomes Project 30x 0.00031; 1000 Genomes Project 0.00040.
gnomAD v4.1: 104 of 1,614,034 alleles (0.0064%); highest among the groups gnomAD compares: East Asian, 0.23%; no homozygotes.

Submissions (2):

CeGaT Center for Human Genetics Tuebingen
Classification: Likely benign. Last evaluated: 2025-03-01. Review status: criteria provided, single submitter. Criteria: CeGaT Center For Human Genetics Tuebingen Variant Classification Criteria Version 2. Collection method: clinical testing. Allele origin: germline. Affected: yes. Observed: 1 variant allele.
Comment: SON: BP4, BS1

Labcorp Genetics (formerly Invitae), Labcorp
Classification: Likely benign. Last evaluated: 2024-01-22. Review status: criteria provided, single submitter. Criteria: Invitae Variant Classification Sherloc (09022015). Collection method: clinical testing. Allele origin: germline.